The following is an entry in ClinVar:

NM_003850.3(SUCLA2):c.1045G>A (p.Gly349Ser)

Gene: SUCLA2 (succinate-CoA ligase ADP-forming subunit beta; minus strand). Cytogenetic location: 13q14.2.
Variant type: single nucleotide variant.
Coding change: c.1045G>A on transcript NM_003850.3 (MANE Select); coding-DNA position 1045, G replaced by A.
Protein change: p.Gly349Ser; replaces glycine 349 with serine.
Molecular consequence: missense variant.
Genome position (GRCh38, 1-based): chr13:47,954,202, C>T on the plus strand (G>A on the coding strand, the complement: SUCLA2 is on the minus strand). VCF-style: chr13-47954202-C-T. GRCh37 (hg19) VCF-style: chr13-48528337-C-T.
Other names: short protein forms G349S.
Identifiers: ClinVar variation 3682564 (VCV003682564.2).
Genomic context (GRCh38, chr13:47,954,202, plus strand): 5'-TTTTATCTGAAGTGATAAGCTTAAATGCTTCTGTTACTTGATGGACTGTAGCACCACCAC[C>T]AACATCAAGGAAGTTGGCTGGAGTCCCTCCATGAAGTTTTATTATATCCATTGTGGCCAT-3'
Protein context (NP_003841.1, residues 339-359): GGTPANFLDV[Gly349Ser]GGATVHQVTE

ClinVar aggregate classification (germline): Uncertain significance (1 of 4 stars; one submission).

Conditions:
Mitochondrial DNA depletion syndrome, encephalomyopathic form with methylmalonic aciduria (MTDPS5). Also called: MITOCHONDRIAL DNA DEPLETION SYNDROME, ENCEPHALOMYOPATHIC FORM, WITH OR WITHOUT METHYLMALONIC ACIDURIA, AUTOSOMAL RECESSIVE, SUCLA2-RELATED; Mitochondrial DNA depletion syndrome 5 (encephalomyopathic with or without methylmalonic aciduria); SUCLA2-Related Mitochondrial DNA Depletion Syndrome, Encephalomyopathic Form with Methylmalonic Aciduria; Mitochondrial encephalomyopathy aminoacidopathy. Identifiers: Orphanet 1933, MedGen C5980207, MONDO:0012791, OMIM 612073.

gnomAD v4.1: 1 of 1,613,722 alleles (0.000062%); highest among the groups gnomAD compares: Non-Finnish European, 0.000085%; no homozygotes.

Submission:

Labcorp Genetics (formerly Invitae), Labcorp
Classification: Uncertain significance for Mitochondrial DNA depletion syndrome, encephalomyopathic form with methylmalonic aciduria. Last evaluated: 2024-04-10. Review status: criteria provided, single submitter. Criteria: Invitae Variant Classification Sherloc (09022015). Collection method: clinical testing. Allele origin: germline.
Comment: This sequence change replaces glycine, which is neutral and non-polar, with serine, which is neutral and polar, at codon 349 of the SUCLA2 protein (p.Gly349Ser). This variant is not present in population databases (gnomAD no frequency). This variant has not been reported in the literature in individuals affected with SUCLA2-related conditions. Advanced modeling of protein sequence and biophysical properties (such as structural, functional, and spatial information, amino acid conservation, physicochemical variation, residue mobility, and thermodynamic stability) performed at Invitae indicates that this missense variant is expected to disrupt SUCLA2 protein function with a positive predictive value of 80%. In summary, the available evidence is currently insufficient to determine the role of this variant in disease. Therefore, it has been classified as a Variant of Uncertain Significance.